The following is an entry in ClinVar:

ClinVar aggregate classification (germline): Uncertain significance (1 of 4 stars; one submission).

gnomAD v4.1: 3 of 1,601,140 alleles (0.00019%); highest among the groups gnomAD compares: Non-Finnish European, 0.00026%; no homozygotes.

Submission:

Labcorp Genetics (formerly Invitae), Labcorp
Classification: Uncertain significance. Last evaluated: 2022-04-24. Review status: criteria provided, single submitter. Criteria: Invitae Variant Classification Sherloc (09022015). Collection method: clinical testing. Allele origin: germline.
Comment: In summary, the available evidence is currently insufficient to determine the role of this variant in disease. Therefore, it has been classified as a Variant of Uncertain Significance. Algorithms developed to predict the effect of missense changes on protein structure and function are either unavailable or do not agree on the potential impact of this missense change (SIFT: "Deleterious"; PolyPhen-2: "Possibly Damaging"; Align-GVGD: "Class C0"). This variant has not been reported in the literature in individuals affected with IFNAR1-related conditions. This variant is not present in population databases (gnomAD no frequency). This sequence change replaces serine, which is neutral and polar, with phenylalanine, which is neutral and non-polar, at codon 495 of the IFNAR1 protein (p.Ser495Phe).

NM_000629.3(IFNAR1):c.1484C>T (p.Ser495Phe)

Gene: IFNAR1 (interferon alpha and beta receptor subunit 1; plus strand). Cytogenetic location: 21q22.11.
Variant type: single nucleotide variant.
Coding change: c.1484C>T on transcript NM_000629.3 (MANE Select); coding-DNA position 1484, C replaced by T.
Protein change: p.Ser495Phe; replaces serine 495 with phenylalanine.
Molecular consequence: missense variant. On other transcripts: 3 prime UTR variant (1).
Genome position (GRCh38, 1-based): chr21:33,355,359, C>T. VCF-style: chr21-33355359-C-T. GRCh37 (hg19) VCF-style: chr21-34727665-C-T.
Other names: c.1484C>T, p.Ser495Phe (NM_001384498.1); c.*33C>T (NM_001384499.1); c.722C>T, p.Ser241Phe (NM_001384500.1); c.1454C>T, p.Ser485Phe (NM_001384501.1); c.1022C>T, p.Ser341Phe (NM_001384502.1); c.1469C>T, p.Ser490Phe (NM_001384503.1); c.1277C>T, p.Ser426Phe (NM_001384504.1); short protein forms S490F, S341F, S485F, S241F, S426F, S495F.
Identifiers: ClinVar variation 2130309 (VCV002130309.4), dbSNP rs775151094, ClinGen allele CA410110891.